The following is an entry in ClinVar:

NM_153717.3(EVC):c.1713del (p.Lys571fs)

Gene: EVC (EvC ciliary complex subunit 1; plus strand). Cytogenetic location: 4p16.2.
Variant type: Deletion.
Coding change: c.1713del on transcript NM_153717.3 (MANE Select); coding-DNA position 1713, one base deleted (G; older notation c.1713delG).
Protein change: p.Lys571fs; shifts the reading frame from lysine 571.
Molecular consequence: frameshift variant.
Genome position (GRCh38, 1-based): chr4:5,783,701, G deleted. VCF-style (leftmost placement, unchanged base first): chr4-5783700-AG-A. GRCh37 (hg19) VCF-style: chr4-5785427-AG-A.
Other names: c.1713del, p.Lys571fs (NM_001306090.2); short protein forms K571fs.
Identifiers: ClinVar variation 4816923 (VCV004816923.1).
Genomic context (GRCh38, chr4:5,783,700, plus strand): 5'-CGGAAGAGTGTGACTACTTGAGGCAGGAAGTCCAGGAGAACGCTGCCTGGCAGCTGGGGA[AG>A]TCAAATCGCTTCCGGAGGCAGCAGTGGAAACTCTTCCAGGAGCTCCTAGAGCAAGACCAG-3'

ClinVar aggregate classification (germline): Likely pathogenic (1 of 4 stars; one submission).

Conditions:
Ellis-van Creveld syndrome (EVC). Also called: Chondroectodermal dysplasia; EVC-Related Ellis-van Creveld Syndrome; EVC2-Related Ellis-van Creveld Syndrome; MESOECTODERMAL DYSPLASIA. Identifiers: Orphanet 289, MedGen C0013903, MONDO:0009162, OMIM 225500.

Submission:

Natera, Inc.
Classification: Likely pathogenic for Ellis-van Creveld syndrome. Last evaluated: 2025-09-09. Review status: criteria provided, single submitter. Criteria: Natera Variant Classification Schema (03/2026). Collection method: clinical testing. Allele origin: germline.
Comment: The c.1713del variant in EVC is a frameshift variant predicted to shift the reading frame beginning at codon 571 and leads to a stop codon 17 codons downstream. This variant is expected to result in nonsense mediated decay, truncation, or a dysfunctional protein product. This variant is rare in the general population with a frequency below the threshold expected for the associated phenotype(s). Given the available evidence, this variant is classified as Likely Pathogenic.